The following is an entry in ClinVar:

NM_015338.6(ASXL1):c.1874G>A (p.Arg625Gln)

Gene: ASXL1 (ASXL transcriptional regulator 1; plus strand). Cytogenetic location: 20q11.21.
Variant type: single nucleotide variant.
Coding change: c.1874G>A on transcript NM_015338.6 (MANE Select); coding-DNA position 1874, G replaced by A.
Protein change: p.Arg625Gln; replaces arginine 625 with glutamine.
Molecular consequence: missense variant.
Genome position (GRCh38, 1-based): chr20:32,434,586, G>A. VCF-style: chr20-32434586-G-A. GRCh37 (hg19) VCF-style: chr20-31022389-G-A.
Other names: c.1691G>A, p.Arg564Gln (NM_001363734.1); short protein forms R564Q, R625Q.
Identifiers: ClinVar variation 1482747 (VCV001482747.8), dbSNP rs199602042, ClinGen allele CA9808472.

ClinVar aggregate classification (germline): Uncertain significance (1 of 4 stars; one submission).

Allele frequency attached by ClinVar (database versions not stated): gnomAD exomes 0.00002 and 0.00003; gnomAD 0.00003 and 0.00004; ExAC 0.00004; TOPMed 0.00007; 1000 Genomes Project 30x 0.00031; 1000 Genomes Project 0.00040.

Submission:

Labcorp Genetics (formerly Invitae), Labcorp
Classification: Uncertain significance. Last evaluated: 2024-08-05. Review status: criteria provided, single submitter. Criteria: Invitae Variant Classification Sherloc (09022015). Collection method: clinical testing. Allele origin: germline.
Comment: This sequence change replaces arginine, which is basic and polar, with glutamine, which is neutral and polar, at codon 625 of the ASXL1 protein (p.Arg625Gln). This variant is present in population databases (rs199602042, gnomAD 0.01%). This variant has not been reported in the literature in individuals affected with ASXL1-related conditions. ClinVar contains an entry for this variant (Variation ID: 1482747). An algorithm developed to predict the effect of missense changes on protein structure and function (PolyPhen-2) suggests that this variant is likely to be disruptive. In summary, the available evidence is currently insufficient to determine the role of this variant in disease. Therefore, it has been classified as a Variant of Uncertain Significance.